The following is an entry in ClinVar:

NM_000116.5(TAFAZZIN):c.403A>G (p.Lys135Glu)

Gene: TAFAZZIN (tafazzin, phospholipid-lysophospholipid transacylase; plus strand). Cytogenetic location: Xq28.
Variant type: single nucleotide variant.
Coding change: c.403A>G on transcript NM_000116.5 (MANE Select); coding-DNA position 403, A replaced by G.
Protein change: p.Lys135Glu; replaces lysine 135 with glutamic acid.
Molecular consequence: missense variant. On other transcripts: intron variant (2).
Genome position (GRCh38, 1-based): chrX:154,414,133, A>G. VCF-style: chrX-154414133-A-G. GRCh37 (hg19) VCF-style: chrX-153642470-A-G.
Other names: c.457A>G, p.Lys153Glu (NM_001303465.2); c.403A>G, p.Lys135Glu (NM_181312.4); c.370+566A>G (NM_181311.4, NM_181313.4); short protein forms K135E, K153E.
Identifiers: ClinVar variation 1021828 (VCV001021828.2), dbSNP rs1557192022, ClinGen allele CA415182476.
Genomic context (GRCh38, chrX:154,414,133, plus strand): 5'-TGAATCCAGATTGCTCCTTCCTCTGCAGGAGCAGAATTTTTCCAAGCAGAGAATGAGGGG[A>G]AAGGTGTTCTAGACACAGGCAGGCACATGCCAGGTGCTGGAAAAAGAAGAGAGAAAGGTA-3'
Protein context (NP_000107.1, residues 125-145): AEFFQAENEG[Lys135Glu]GVLDTGRHMP

ClinVar aggregate classification (germline): Uncertain significance (1 of 4 stars; one submission).

Conditions:
3-Methylglutaconic aciduria type 2 (BTHS). Also called: CARDIOSKELETAL MYOPATHY WITH NEUTROPENIA AND ABNORMAL MITOCHONDRIA; Barth syndrome. Identifiers: Orphanet 111, MedGen C0574083, MONDO:0010543, OMIM 302060.

Allele frequency attached by ClinVar (database versions not stated): gnomAD exomes 0.00001; TOPMed 0.00001.

Submission:

Labcorp Genetics (formerly Invitae), Labcorp
Classification: Uncertain significance for 3-Methylglutaconic aciduria type 2. Last evaluated: 2025-03-31. Review status: criteria provided, single submitter. Criteria: Invitae Variant Classification Sherloc (09022015). Collection method: clinical testing. Allele origin: germline.
Comment: This sequence change replaces lysine, which is basic and polar, with glutamic acid, which is acidic and polar, at codon 135 of the TAZ protein (p.Lys135Glu). The frequency data for this variant in the population databases is considered unreliable, as metrics indicate poor data quality at this position in the gnomAD database. This variant has not been reported in the literature in individuals affected with TAZ-related conditions. ClinVar contains an entry for this variant (Variation ID: 1021828). An algorithm developed to predict the effect of missense changes on protein structure and function (PolyPhen-2) suggests that this variant is likely to be tolerated. In summary, the available evidence is currently insufficient to determine the role of this variant in disease. Therefore, it has been classified as a Variant of Uncertain Significance.